The following is an entry in ClinVar:

NM_001844.5(COL2A1):c.787G>A (p.Ala263Thr)

Gene: COL2A1 (collagen type II alpha 1 chain; minus strand). Cytogenetic location: 12q13.11.
Variant type: single nucleotide variant.
Coding change: c.787G>A on transcript NM_001844.5 (MANE Select); coding-DNA position 787, G replaced by A.
Protein change: p.Ala263Thr; replaces alanine 263 with threonine.
Molecular consequence: missense variant.
Genome position (GRCh38, 1-based): chr12:47,994,453, C>T on the plus strand (G>A on the coding strand, the complement: COL2A1 is on the minus strand). VCF-style: chr12-47994453-C-T. GRCh37 (hg19) VCF-style: chr12-48388236-C-T.
Other names: c.580G>A, p.Ala194Thr (NM_033150.3); short protein forms A194T, A263T.
Identifiers: ClinVar variation 1331207 (VCV001331207.2), dbSNP rs1939852622, ClinGen allele CA384522455.

ClinVar aggregate classification (germline): Uncertain significance (1 of 4 stars; one submission).

Allele frequency attached by ClinVar (database versions not stated): gnomAD exomes below 0.00001; gnomAD 0.00001.

Submission:

GeneDx
Classification: Uncertain significance. Last evaluated: 2021-06-29. Review status: criteria provided, single submitter. Criteria: GeneDx Variant Classification Process June 2021. Collection method: clinical testing. Allele origin: germline. Affected: yes.
Comment: Not observed at significant frequency in large population cohorts (Lek et al., 2016); In silico analysis supports that this missense variant does not alter protein structure/function; Occurs in the triple helical domain at the Y position in the canonical Gly-X-Y repeat; although this variant may have an effect on normal protein folding and function, missense substitution at the Y position is not a common mechanism of disease; Has not been previously published as pathogenic or benign to our knowledge; This variant is associated with the following publications: (PMID: 27535533)